The following is an entry in ClinVar:

NM_014000.3(VCL):c.3259-3C>T

Gene: VCL (vinculin; plus strand). Cytogenetic location: 10q22.2.
Variant type: single nucleotide variant.
Coding change: c.3259-3C>T on transcript NM_014000.3 (MANE Select); 3 bases into the intron before coding-DNA position 3259, C replaced by T.
Molecular consequence: intron variant.
Genome position (GRCh38, 1-based): chr10:74,118,020, C>T. VCF-style: chr10-74118020-C-T. GRCh37 (hg19) VCF-style: chr10-75877778-C-T.
Other names: c.3055-3C>T (NM_003373.4).
Identifiers: ClinVar variation 1493866 (VCV001493866.6), dbSNP rs751727109, ClinGen allele CA5563464.
Genomic context (GRCh38, chr10:74,118,020, plus strand): 5'-CTATTTTAGAGACAGGCCTGCATCAGGGACCCTGGGTAACGGAAAGTACCTTTTTCCTTG[C>T]AGGCCACAGAGATGCTGGTTCACAATGCCCAGAACCTCATGCAGTCTGTGAAGGAGACTG-3'

ClinVar aggregate classification (germline): Uncertain significance (1 of 4 stars; one submission).

Conditions:
Dilated cardiomyopathy 1W (CMD1W). Identifiers: Orphanet 154, MedGen C1969639, MONDO:0012667, OMIM 611407.

Allele frequency attached by ClinVar (database versions not stated): gnomAD exomes below 0.00001; ExAC 0.00001.
gnomAD v4.1: 1 of 1,614,028 alleles (0.000062%); highest among the groups gnomAD compares: Non-Finnish European, 0.000085%; no homozygotes.

Submission:

Labcorp Genetics (formerly Invitae), Labcorp
Classification: Uncertain significance for Dilated cardiomyopathy 1W. Last evaluated: 2025-07-23. Review status: criteria provided, single submitter. Criteria: Invitae Variant Classification Sherloc (09022015). Collection method: clinical testing. Allele origin: germline.
Comment: This sequence change falls in intron 21 of the VCL gene. It does not directly change the encoded amino acid sequence of the VCL protein. It affects a nucleotide within the consensus splice site. This variant is present in population databases (rs751727109, gnomAD 0.0009%). This variant has not been reported in the literature in individuals affected with VCL-related conditions. ClinVar contains an entry for this variant (Variation ID: 1493866). Variants that disrupt the consensus splice site are a relatively common cause of aberrant splicing (PMID: 17576681, 9536098). Algorithms developed to predict the effect of sequence changes on RNA splicing suggest that this variant is not likely to affect RNA splicing. In summary, the available evidence is currently insufficient to determine the role of this variant in disease. Therefore, it has been classified as a Variant of Uncertain Significance.

Literature cited by the submitters: PubMed 17576681; PubMed 9536098.